The following is an entry in ClinVar:

ClinVar aggregate classification (germline): Likely pathogenic (1 of 4 stars; one submission).

Conditions:
TCOF1-related disorder. Also called: TCOF1-related condition.

Submission:

PreventionGenetics, part of Exact Sciences
Classification: Likely pathogenic for TCOF1-related condition. Last evaluated: 2023-02-25. Review status: criteria provided, single submitter. Criteria: ACMG Guidelines, 2015. Collection method: clinical testing. Allele origin: germline.
Comment: The TCOF1 c.102_103delinsTAAGCTGCACCAC variant is predicted to result in a frameshift and premature protein termination (p.Gly35Lysfs*14). To our knowledge, this variant has not been reported in the literature or in a large population database, indicating this variant is rare. Frameshift variants in TCOF1 are expected to be pathogenic. This variant is interpreted as likely pathogenic.

NM_001371623.1(TCOF1):c.102_103delinsTAAGCTGCACCAC (p.Gly35fs)

Gene: TCOF1 (treacle ribosome biogenesis factor 1; plus strand). Cytogenetic location: 5q32.
Variant type: Indel.
Coding change: c.102_103delinsTAAGCTGCACCAC on transcript NM_001371623.1 (MANE Select); coding-DNA positions 102 to 103, CG replaced by TAAGCTGCACCAC.
Protein change: p.Gly35fs; shifts the reading frame from glycine 35.
Molecular consequence: frameshift variant.
Genome position (GRCh38, 1-based): chr5:150,357,848-150,357,849, CG replaced by TAAGCTGCACCAC. VCF-style: chr5-150357848-CG-TAAGCTGCACCAC. GRCh37 (hg19) VCF-style: chr5-149737411-CG-TAAGCTGCACCAC.
Other names: c.102_103delinsTAAGCTGCACCAC, p.Gly35fs (NM_000356.4, NM_001008657.3, NM_001135243.2 and 3 more transcripts); short protein forms G35fs.
Identifiers: ClinVar variation 2630305 (VCV002630305.1), dbSNP rs2532520874, ClinGen allele CA2695198777.